The following is an entry in ClinVar:

NM_001754.5(RUNX1):c.974C>T (p.Pro325Leu)

Gene: RUNX1 (RUNX family transcription factor 1; minus strand). Cytogenetic location: 21q22.12.
Variant type: single nucleotide variant.
Coding change: c.974C>T on transcript NM_001754.5 (MANE Select); coding-DNA position 974, C replaced by T.
Protein change: p.Pro325Leu; replaces proline 325 with leucine.
Molecular consequence: missense variant.
Genome position (GRCh38, 1-based): chr21:34,792,604, G>A on the plus strand (C>T on the coding strand, the complement: RUNX1 is on the minus strand). VCF-style: chr21-34792604-G-A. GRCh37 (hg19) VCF-style: chr21-36164901-G-A.
Other names: c.893C>T, p.Pro298Leu (NM_001001890.3); short protein forms P298L, P325L.
Identifiers: ClinVar variation 5028570 (VCV005028570.1).
Genomic context (GRCh38, chr21:34,792,604, plus strand): 5'-GGGTCGGAGATGGAGGGCAGCGCGGGGAACTGGCGCGGGTCGCTGAACGCTGTCAGGTCG[G>A]GTGCCGCTGCAGGGCGGGCAAGAGAACGGAGCGGAAGTGAGTAGGAGGTTGCGGAGGCCA-3'
Protein context (NP_001745.2, residues 315-335): AELSSRLSTA[Pro325Leu]DLTAFSDPRQ

ClinVar aggregate classification (germline): Uncertain significance (1 of 4 stars; one submission).

Conditions:
Inborn genetic diseases. Identifiers: MedGen C0950123, MeSH D030342.

Submission:

Ambry Genetics
Classification: Uncertain significance for Inborn genetic diseases. Last evaluated: 2026-07-06. Review status: criteria provided, single submitter. Criteria: Ambry Variant Classification Scheme 2023. Collection method: clinical testing. Allele origin: germline.
Comment: The p.P325L variant (also known as c.974C>T), located in coding exon 8 of the RUNX1 gene, results from a C to T substitution at nucleotide position 974. The proline at codon 325 is replaced by leucine, an amino acid with similar properties. This amino acid position is conserved. In addition, this alteration is predicted to be tolerated by in silico analysis. Based on the available evidence, the clinical significance of this variant remains unclear.